The following is an entry in ClinVar:

NM_000169.3(GLA):c.1226C>T (p.Pro409Leu)

Genes: GLA (galactosidase alpha; minus strand), RPL36A-HNRNPH2 (RPL36A-HNRNPH2 readthrough; plus strand). Cytogenetic location: Xq22.1.
Variant type: single nucleotide variant.
Coding change: c.1226C>T on transcript NM_000169.3 (MANE Select); coding-DNA position 1226, C replaced by T.
Protein change: p.Pro409Leu; replaces proline 409 with leucine.
Molecular consequence: missense variant. On other transcripts: non-coding transcript variant (3), intron variant (2).
Genome position (GRCh38, 1-based): chrX:101,397,873, G>A on the plus strand (C>T on the coding strand, the complement: GLA is on the minus strand). VCF-style: chrX-101397873-G-A. GRCh37 (hg19) VCF-style: chrX-100652861-G-A.
Other names: c.1349C>T, p.Pro450Leu (NM_001406747.1); c.300+2416G>A (NM_001199973.2); c.177+6051G>A (NM_001199974.2); short protein forms P409L, P450L.
Identifiers: ClinVar variation 4087664 (VCV004087664.2).

ClinVar aggregate classification (germline): Likely pathogenic (1 of 4 stars; one submission).

Conditions:
Fabry disease. Also called: ALPHA-GALACTOSIDASE A DEFICIENCY; ANDERSON-FABRY DISEASE; CERAMIDE TRIHEXOSIDASE DEFICIENCY; GLA DEFICIENCY; HEREDITARY DYSTOPIC LIPIDOSIS; Angiokeratoma corporis diffusum. Identifiers: Orphanet 324, MedGen C0002986, MONDO:0010526, OMIM 301500, HP:0001071. Disease mechanism: Fabry disease is due to inactivating mutations in the X-linked GLA gene resulting in deficiency of the enzyme Alpha Galactosidase-A., loss of function.

Submission:

Genomenon, Inc
Classification: Likely pathogenic for Fabry disease. Last evaluated: 2026-09-08. Review status: criteria provided, single submitter. Criteria: Genomenon Sequence Variant Interpretation Standards - Updated. Collection method: curation. Allele origin: germline. Affected: yes.
Comment: GLA p.Pro409Leu (c.1226C>T) is a missense variant that changes the amino acid at codon 409 from Proline to Leucine. This variant has been observed in at least one proband with clinical features consistent with Fabry disease (PMID:38372211). The variant was found to segregate with disease in at least one affected family (PMID:38372211). The presence of pathogenic/likely pathogenic missense variant(s) at the same amino acid position indicates that this residue is likely important for protein function. It is absent or not present at a significant frequency in gnomAD. In silico models predict that this variant is possibly or probably damaging. In conclusion, we classify GLA p.Pro409Leu (c.1226C>T) as a likely pathogenic variant.

Literature cited by the submitters: PubMed 38372211.